The following is an entry in ClinVar:

ClinVar aggregate classification (germline): Uncertain significance (1 of 4 stars; one submission).

Conditions:
Cardiac, facial, and digital anomalies with developmental delay. Identifiers: Orphanet 592570, MedGen C4748484, MONDO:0032572, OMIM 618164.

Submission:

Juno Genomics, Hangzhou Juno Genomics, Inc
Classification: Uncertain significance for Cardiac, facial, and digital anomalies with developmental delay. Review status: criteria provided, single submitter. Criteria: ACMG Guidelines, 2015. Collection method: clinical testing. Allele origin: germline.
Comment: Absent from controls (or at extremely low frequency if recessive) in Genome Aggregation Database.;Protein length changes due to in-frame deletions/insertions in a non-repeat region or stop-loss variants.

NM_032271.3(TRAF7):c.1458CTC[1] (p.Ser488del)

Gene: TRAF7 (TNF receptor associated factor 7; plus strand). Cytogenetic location: 16p13.3.
Variant type: Microsatellite.
Coding change: c.1458CTC[1] on transcript NM_032271.3 (MANE Select); one copy of the 3-base unit CTC starting at c.1458; the reference has two copies in a row; one copy, 3 bases deleted; also written c.1461_1463del.
Protein change: p.Ser488del; deletes serine 488.
Molecular consequence: inframe deletion.
Genome position (GRCh38, 1-based): chr16:2,175,375-2,175,377, CTC deleted; deleting any 3 consecutive bases within chr16:2,175,372-2,175,377 gives the same sequence; the position shown is the placement nearest the transcript's 3' end. VCF-style (leftmost placement, unchanged base first): chr16-2175371-TCTC-T. GRCh37 (hg19) VCF-style: chr16-2225372-TCTC-T.
Other names: c.1461_1463del (NM_032271.3); short protein forms S488del.
Identifiers: ClinVar variation 5005548 (VCV005005548.2).